The following is an entry in ClinVar:

ClinVar aggregate classification (germline): Likely benign. Review status: criteria provided, multiple submitters, no conflicts (2 of 4 stars). 2 submissions from 2 submitters: Likely benign (2). Last evaluated 2025-04-22.

gnomAD v4.1: 62 of 1,613,980 alleles (0.0038%); highest among the groups gnomAD compares: African/African-American, 0.073%; no homozygotes.

Submissions (2):

Mayo Clinic Laboratories, Mayo Clinic
Classification: Likely benign. Last evaluated: 2025-04-22. Review status: criteria provided, single submitter. Criteria: ACMG Guidelines, 2015. Collection method: clinical testing. Allele origin: germline. Observed: 1 variant allele.
Comment: BP4, BP7

Blueprint Genetics
Classification: Likely benign. Last evaluated: 2023-03-09. Review status: criteria provided, single submitter. Criteria: ACMG Guidelines, 2015. Collection method: clinical testing. Allele origin: germline.

NM_198291.3(SRC):c.408C>T (p.Pro136=)

Gene: SRC (SRC proto-oncogene, non-receptor tyrosine kinase; plus strand). Cytogenetic location: 20q11.23.
Variant type: single nucleotide variant.
Coding change: c.408C>T on transcript NM_198291.3 (MANE Select); coding-DNA position 408, C replaced by T.
Protein change: p.Pro136=; no amino-acid change (proline 136 retained).
Molecular consequence: synonymous variant.
Genome position (GRCh38, 1-based): chr20:37,393,952, C>T. VCF-style: chr20-37393952-C-T. GRCh37 (hg19) VCF-style: chr20-36022355-C-T.
Other names: p.Pro136=; c.408C>T, p.Pro136= (NM_005417.5).
Identifiers: ClinVar variation 4684418 (VCV004684418.2).